The following is an entry in ClinVar:

ClinVar aggregate classification (germline): Uncertain significance. Review status: criteria provided, multiple submitters, no conflicts (2 of 4 stars). 2 submissions from 2 submitters: Uncertain significance (2). Last evaluated 2025-03-28.

Conditions:
Inborn genetic diseases. Identifiers: MedGen C0950123, MeSH D030342.

Allele frequency attached by ClinVar (database versions not stated): ExAC 0.00001; TOPMed 0.00001; gnomAD exomes 0.00002; ESP Exome Variant Server 0.00008.
gnomAD v4.1: 28 of 1,613,952 alleles (0.0017%); highest among the groups gnomAD compares: Non-Finnish European, 0.0024%; no homozygotes.

Submissions (2):

Ambry Genetics
Classification: Uncertain significance for Inborn genetic diseases. Last evaluated: 2025-03-28. Review status: criteria provided, single submitter. Criteria: Ambry Variant Classification Scheme 2023. Collection method: clinical testing. Allele origin: germline.

Labcorp Genetics (formerly Invitae), Labcorp
Classification: Uncertain significance. Last evaluated: 2023-08-27. Review status: criteria provided, single submitter. Criteria: Invitae Variant Classification Sherloc (09022015). Collection method: clinical testing. Allele origin: germline.
Comment: This sequence change replaces aspartic acid, which is acidic and polar, with valine, which is neutral and non-polar, at codon 170 of the NTRK2 protein (p.Asp170Val). In summary, the available evidence is currently insufficient to determine the role of this variant in disease. Therefore, it has been classified as a Variant of Uncertain Significance. Advanced modeling of protein sequence and biophysical properties (such as structural, functional, and spatial information, amino acid conservation, physicochemical variation, residue mobility, and thermodynamic stability) performed at Invitae indicates that this missense variant is not expected to disrupt NTRK2 protein function. This variant has not been reported in the literature in individuals affected with NTRK2-related conditions. This variant is present in population databases (rs371313025, gnomAD 0.003%).

NM_006180.6(NTRK2):c.509A>T (p.Asp170Val)

Gene: NTRK2 (neurotrophic receptor tyrosine kinase 2; plus strand). Cytogenetic location: 9q21.33.
Variant type: single nucleotide variant.
Coding change: c.509A>T on transcript NM_006180.6 (MANE Select); coding-DNA position 509, A replaced by T.
Protein change: p.Asp170Val; replaces aspartic acid 170 with valine.
Molecular consequence: missense variant.
Genome position (GRCh38, 1-based): chr9:84,710,717, A>T. VCF-style: chr9-84710717-A-T. GRCh37 (hg19) VCF-style: chr9-87325632-A-T.
Other names: c.509A>T, p.Asp170Val (NM_001007097.3, NM_001018064.3, NM_001018065.2 and 19 more transcripts); c.41A>T, p.Asp14Val (NM_001369535.1, NM_001369536.1, NM_001369552.1 and 2 more transcripts); c.509A>T (NM_006180.3); short protein forms D14V, D170V.
Identifiers: ClinVar variation 2906360 (VCV002906360.4), dbSNP rs371313025, ClinGen allele CA5105518.